The following is an entry in ClinVar:

NM_058004.4(PI4KA):c.708C>T (p.Ser236=)

Gene: PI4KA (phosphatidylinositol 4-kinase alpha; minus strand). Cytogenetic location: 22q11.21.
Variant type: single nucleotide variant.
Coding change: c.708C>T on transcript NM_058004.4 (MANE Select); coding-DNA position 708, C replaced by T.
Protein change: p.Ser236=; no amino-acid change (serine 236 retained).
Molecular consequence: synonymous variant.
Genome position (GRCh38, 1-based): chr22:20,819,722, G>A on the plus strand (C>T on the coding strand, the complement: PI4KA is on the minus strand). VCF-style: chr22-20819722-G-A. GRCh37 (hg19) VCF-style: chr22-21174010-G-A.
Other names: c.708C>T, p.Ser236= (NM_001362862.2, NM_001362863.2).
Identifiers: ClinVar variation 5000289 (VCV005000289.1).

ClinVar aggregate classification (germline): Uncertain significance (1 of 4 stars; one submission).

Conditions:
PI4KA-related disorder. Also called: PI4KA-related disorders; PI4KA-related condition. Identifiers: MedGen CN378147, MONDO:1040012.

Submission:

PreventionGenetics, part of Exact Sciences
Classification: Uncertain significance for PI4KA-related condition. Last evaluated: 2025-01-15. Review status: criteria provided, single submitter. Criteria: ACMG Guidelines, 2015. Collection method: clinical testing. Allele origin: germline.
Comment: The PI4KA c.708C>T variant is not predicted to result in an amino acid change (p.=). This variant is predicted to create a cryptic splice acceptor site (SpliceAI, Jaganathan et al. 2019. PubMed ID: 30661751). To our knowledge, this variant has not been reported in the literature or in a large population database (gnomAD), indicating this variant is rare. At this time, the clinical significance of this variant is uncertain due to the absence of conclusive functional and genetic evidence.